The following is an entry in ClinVar:

NM_000587.4(C7):c.109T>C (p.Ser37Pro)

Gene: C7 (complement C7; plus strand). Cytogenetic location: 5p13.1.
Variant type: single nucleotide variant.
Coding change: c.109T>C on transcript NM_000587.4 (MANE Select); coding-DNA position 109, T replaced by C.
Protein change: p.Ser37Pro; replaces serine 37 with proline.
Molecular consequence: missense variant.
Genome position (GRCh38, 1-based): chr5:40,931,110, T>C. VCF-style: chr5-40931110-T-C. GRCh37 (hg19) VCF-style: chr5-40931212-T-C.
Other names: short protein forms S37P.
Identifiers: ClinVar variation 1525406 (VCV001525406.6), dbSNP rs1216838400, ClinGen allele CA359588239.

ClinVar aggregate classification (germline): Uncertain significance (1 of 4 stars; one submission).

Allele frequency attached by ClinVar (database versions not stated): TOPMed below 0.00001.

Submission:

Labcorp Genetics (formerly Invitae), Labcorp
Classification: Uncertain significance. Last evaluated: 2021-07-31. Review status: criteria provided, single submitter. Criteria: Invitae Variant Classification Sherloc (09022015). Collection method: clinical testing. Allele origin: germline.
Comment: Algorithms developed to predict the effect of missense changes on protein structure and function are either unavailable or do not agree on the potential impact of this missense change (SIFT: "Deleterious"; PolyPhen-2: "Probably Damaging"; Align-GVGD: "Class C0"). This variant has not been reported in the literature in individuals affected with C7-related conditions. This sequence change replaces serine with proline at codon 37 of the C7 protein (p.Ser37Pro). The serine residue is highly conserved and there is a moderate physicochemical difference between serine and proline. This variant is not present in population databases (ExAC no frequency). In summary, the available evidence is currently insufficient to determine the role of this variant in disease. Therefore, it has been classified as a Variant of Uncertain Significance.